The following is an entry in ClinVar:

ClinVar aggregate classification (germline): Uncertain significance (1 of 4 stars; one submission).

Conditions:
Spermatogenic failure 18. Identifiers: MedGen C4539783, MONDO:0054615, OMIM 617576.
Ciliary dyskinesia, primary, 37 (CILD37). Also called: CILIARY DYSKINESIA, PRIMARY, 37, WITH OR WITHOUT SITUS INVERSUS. Identifiers: MedGen C4539798, MONDO:0033204, OMIM 617577.

gnomAD v4.1: 4 of 1,613,716 alleles (0.00025%); highest among the groups gnomAD compares: Admixed American, 0.0067%; no homozygotes.

Submission:

Labcorp Genetics (formerly Invitae), Labcorp
Classification: Uncertain significance for Ciliary dyskinesia, primary, 37; Spermatogenic failure 18. Last evaluated: 2021-08-20. Review status: criteria provided, single submitter. Criteria: Invitae Variant Classification Sherloc (09022015). Collection method: clinical testing. Allele origin: germline.
Comment: This sequence change replaces arginine with proline at codon 1242 of the DNAH1 protein (p.Arg1242Pro). The arginine residue is highly conserved and there is a moderate physicochemical difference between arginine and proline. This variant is not present in population databases (ExAC no frequency). This variant has not been reported in the literature in individuals affected with DNAH1-related conditions. Algorithms developed to predict the effect of missense changes on protein structure and function are either unavailable or do not agree on the potential impact of this missense change (SIFT: "Tolerated"; PolyPhen-2: "Probably Damaging"; Align-GVGD: "Class C0"). In summary, the available evidence is currently insufficient to determine the role of this variant in disease. Therefore, it has been classified as a Variant of Uncertain Significance.

NM_015512.5(DNAH1):c.3725G>C (p.Arg1242Pro)

Gene: DNAH1 (dynein axonemal heavy chain 1; plus strand). Cytogenetic location: 3p21.1.
Variant type: single nucleotide variant.
Coding change: c.3725G>C on transcript NM_015512.5 (MANE Select); coding-DNA position 3725, G replaced by C.
Protein change: p.Arg1242Pro; replaces arginine 1242 with proline.
Molecular consequence: missense variant.
Genome position (GRCh38, 1-based): chr3:52,356,645, G>C. VCF-style: chr3-52356645-G-C. GRCh37 (hg19) VCF-style: chr3-52390661-G-C.
Other names: short protein forms R1242P.
Identifiers: ClinVar variation 1045376 (VCV001045376.2), dbSNP rs574664508, ClinGen allele CA353119862.